The following is an entry in ClinVar:

NM_030665.4(RAI1):c.4043C>T (p.Ala1348Val)

Gene: RAI1 (retinoic acid induced 1; plus strand). Cytogenetic location: 17p11.2.
Variant type: single nucleotide variant.
Coding change: c.4043C>T on transcript NM_030665.4 (MANE Select); coding-DNA position 4043, C replaced by T.
Protein change: p.Ala1348Val; replaces alanine 1348 with valine.
Molecular consequence: missense variant.
Genome position (GRCh38, 1-based): chr17:17,796,991, C>T. VCF-style: chr17-17796991-C-T. GRCh37 (hg19) VCF-style: chr17-17700305-C-T.
Other names: short protein forms A1348V.
Identifiers: ClinVar variation 196549 (VCV000196549.65), dbSNP rs143396390, ClinGen allele CA243538.

ClinVar aggregate classification (germline): Conflicting classifications of pathogenicity. Review status: criteria provided, conflicting classifications (1 of 4 stars). 10 submissions from 10 submitters: Uncertain significance (1); Benign (4); Likely benign (2). 3 of the submissions do not count toward it. Last evaluated 2026-04-01.

Conditions:
RAI1-related disorder. Also called: RAI1-related condition.
Inborn genetic diseases. Identifiers: MedGen C0950123, MeSH D030342.

Allele frequency attached by ClinVar (database versions not stated): ExAC 0.00018; gnomAD exomes 0.00019; gnomAD 0.00024 and 0.00027; TOPMed 0.00026; ESP Exome Variant Server 0.00038.
gnomAD v4.1: 815 of 1,613,728 alleles (0.051%); highest among the groups gnomAD compares: Non-Finnish European, 0.067%; no homozygotes.

Submissions (10):

CeGaT Center for Human Genetics Tuebingen
Classification: Likely benign. Last evaluated: 2026-04-01. Review status: criteria provided, single submitter. Criteria: CeGaT Center For Human Genetics Tuebingen Variant Classification Criteria Version 2. Collection method: clinical testing. Allele origin: germline. Affected: yes. Observed: 4 variant alleles.
Comment: RAI1: BP4, BS2

Labcorp Genetics (formerly Invitae), Labcorp
Classification: Benign. Last evaluated: 2026-01-31. Review status: criteria provided, single submitter. Criteria: Invitae Variant Classification Sherloc (09022015). Collection method: clinical testing. Allele origin: germline.

Blueprint Genetics
Classification: Likely benign. Last evaluated: 2024-11-11. Review status: criteria provided, single submitter. Criteria: ACMG Guidelines, 2015. Collection method: clinical testing. Allele origin: germline.

GeneDx
Classification: Benign. Last evaluated: 2020-03-23. Review status: criteria provided, single submitter. Criteria: GeneDx Variant Classification Process June 2021. Collection method: clinical testing. Allele origin: germline. Affected: yes.

Ambry Genetics
Classification: Benign for Inborn genetic diseases. Last evaluated: 2018-01-23. Review status: criteria provided, single submitter. Criteria: Ambry Variant Classification Scheme 2023. Collection method: clinical testing. Allele origin: germline.

Genetic Services Laboratory, University of Chicago
Classification: Benign. Last evaluated: 2016-10-12. Review status: criteria provided, single submitter. Criteria: ACMG Guidelines, 2015. Collection method: clinical testing. Allele origin: germline. Affected: no.

Eurofins Ntd Llc (ga)
Classification: Uncertain significance. Last evaluated: 2014-06-12. Review status: criteria provided, single submitter. Criteria: EGL Classification Definitions 2015. Collection method: clinical testing. Allele origin: germline. Observed: 1 variant allele, 1 heterozygote.

PreventionGenetics, part of Exact Sciences
Classification: Likely benign for RAI1-related condition. Last evaluated: 2021-03-07. Review status: no assertion criteria provided. Collection method: clinical testing. Allele origin: germline. Not counted in ClinVar's aggregate classification.
Comment: This variant is classified as likely benign based on ACMG/AMP sequence variant interpretation guidelines (Richards et al. 2015 PMID: 25741868, with internal and published modifications).

Clinical Genetics DNA and cytogenetics Diagnostics Lab, Erasmus MC, Erasmus Medical Center
Classification: Likely benign. Review status: no assertion criteria provided. Collection method: clinical testing. Allele origin: germline. Affected: yes. Study: VKGL Data-share Consensus. Not counted in ClinVar's aggregate classification.

Laboratory of Diagnostic Genome Analysis, Leiden University Medical Center (LUMC)
Classification: Likely benign. Review status: no assertion criteria provided. Collection method: clinical testing. Allele origin: germline. Affected: yes. Study: VKGL Data-share Consensus. Not counted in ClinVar's aggregate classification.